The following is an entry in ClinVar:

NM_001286577.2(C2CD3):c.3131T>C (p.Val1044Ala)

Gene: C2CD3 (C2 domain containing 3 centriole elongation regulator; minus strand). Cytogenetic location: 11q13.4.
Variant type: single nucleotide variant.
Coding change: c.3131T>C on transcript NM_001286577.2 (MANE Select); coding-DNA position 3131, T replaced by C.
Protein change: p.Val1044Ala; replaces valine 1044 with alanine.
Molecular consequence: missense variant.
Genome position (GRCh38, 1-based): chr11:74,095,257, A>G on the plus strand (T>C on the coding strand, the complement: C2CD3 is on the minus strand). VCF-style: chr11-74095257-A-G. GRCh37 (hg19) VCF-style: chr11-73806302-A-G.
Other names: c.3131T>C, p.Val1044Ala (NM_015531.6); short protein forms V1044A.
Identifiers: ClinVar variation 1439312 (VCV001439312.6), dbSNP rs557383222, ClinGen allele CA381826939.
Genomic context (GRCh38, chr11:74,095,257, plus strand): 5'-AAGAATAAGAAAGCCTAATATCTAAACCTACCATTTTCAAGGAACTCAGGTCCTTTCAGC[A>G]CACTGGATTGAGAGTGTTGAACTGGAAAGTAGTACTGGACATAACAATCTGCTTCTCCCC-3'
Protein context (NP_001273506.1, residues 1034-1054): YFPVQHSQSS[Val1044Ala]LKGPEFLENG

ClinVar aggregate classification (germline): Uncertain significance (1 of 4 stars; one submission).

gnomAD v4.1: 3 of 1,613,318 alleles (0.00019%); highest among the groups gnomAD compares: Admixed American, 0.005%; no homozygotes.

Submission:

Labcorp Genetics (formerly Invitae), Labcorp
Classification: Uncertain significance. Last evaluated: 2025-01-06. Review status: criteria provided, single submitter. Criteria: Invitae Variant Classification Sherloc (09022015). Collection method: clinical testing. Allele origin: germline.
Comment: This sequence change replaces valine, which is neutral and non-polar, with alanine, which is neutral and non-polar, at codon 1044 of the C2CD3 protein (p.Val1044Ala). This variant is not present in population databases (gnomAD no frequency). This variant has not been reported in the literature in individuals affected with C2CD3-related conditions. ClinVar contains an entry for this variant (Variation ID: 1439312). Invitae Evidence Modeling of protein sequence and biophysical properties (such as structural, functional, and spatial information, amino acid conservation, physicochemical variation, residue mobility, and thermodynamic stability) indicates that this missense variant is not expected to disrupt C2CD3 protein function with a negative predictive value of 80%. In summary, the available evidence is currently insufficient to determine the role of this variant in disease. Therefore, it has been classified as a Variant of Uncertain Significance.